The following is an entry in ClinVar:

ClinVar aggregate classification (germline): Uncertain significance (1 of 4 stars; one submission).

Submission:

Women's Health and Genetics/Laboratory Corporation of America, LabCorp
Classification: Uncertain significance. Last evaluated: 2022-04-28. Review status: criteria provided, single submitter. Criteria: LabCorp Variant Classification Summary - May 2015. Collection method: clinical testing. Allele origin: germline.
Comment: Variant summary: IFT140 c.2102A>T (p.Glu701Val) results in a non-conservative amino acid change in the encoded protein sequence. Three of five in-silico tools predict a benign effect of the variant on protein function. The variant was absent in 248850 control chromosomes. The available data on variant occurrences in the general population are insufficient to allow any conclusion about variant significance. To our knowledge, no occurrence of c.2102A>T in individuals affected with Asphyxiating Thoracic Dystrophy 1 and no experimental evidence demonstrating its impact on protein function have been reported. No clinical diagnostic laboratories have submitted clinical-significance assessments for this variant to ClinVar after 2014. Based on the evidence outlined above, the variant was classified as uncertain significance.

NM_014714.4(IFT140):c.2102A>T (p.Glu701Val)

Gene: IFT140 (intraflagellar transport 140; minus strand). Cytogenetic location: 16p13.3.
Variant type: single nucleotide variant.
Coding change: c.2102A>T on transcript NM_014714.4 (MANE Select); coding-DNA position 2102, A replaced by T.
Protein change: p.Glu701Val; replaces glutamic acid 701 with valine.
Molecular consequence: missense variant.
Genome position (GRCh38, 1-based): chr16:1,562,082, T>A on the plus strand (A>T on the coding strand, the complement: IFT140 is on the minus strand). VCF-style: chr16-1562082-T-A. GRCh37 (hg19) VCF-style: chr16-1612083-T-A.
Other names: short protein forms E701V.
Identifiers: ClinVar variation 1683342 (VCV001683342.1), dbSNP rs2141512703, ClinGen allele CA394203804.